The following is an entry in ClinVar:

ClinVar aggregate classification (germline): Uncertain significance (1 of 4 stars; one submission).

Submission:

GeneDx
Classification: Uncertain significance. Last evaluated: 2024-03-27. Review status: criteria provided, single submitter. Criteria: GeneDx Variant Classification Process June 2021. Collection method: clinical testing. Allele origin: germline. Affected: yes.
Comment: Not observed at significant frequency in large population cohorts (gnomAD); In silico analysis supports that this missense variant has a deleterious effect on protein structure/function; Has not been previously published as pathogenic or benign to our knowledge

NM_022841.7(RFX7):c.79G>T (p.Gly27Trp)

Gene: RFX7 (regulatory factor X7; minus strand). Cytogenetic location: 15q21.3.
Variant type: single nucleotide variant.
Coding change: c.79G>T on transcript NM_022841.7 (MANE Select); coding-DNA position 79, G replaced by T.
Protein change: p.Gly27Trp; replaces glycine 27 with tryptophan.
Molecular consequence: missense variant. On other transcripts: 5 prime UTR variant (1).
Genome position (GRCh38, 1-based): chr15:56,243,207, C>A on the plus strand (G>T on the coding strand, the complement: RFX7 is on the minus strand). VCF-style: chr15-56243207-C-A. GRCh37 (hg19) VCF-style: chr15-56535405-C-A.
Other names: c.-179G>T (NM_001368073.2); c.79G>T, p.Gly27Trp (NM_001370561.1); short protein forms G27W.
Identifiers: ClinVar variation 3371596 (VCV003371596.1).